The following is an entry in ClinVar:

NM_001868.4(CPA1):c.845C>G (p.Ser282Cys)

Gene: CPA1 (carboxypeptidase A1; plus strand). Cytogenetic location: 7q32.2.
Variant type: single nucleotide variant.
Coding change: c.845C>G on transcript NM_001868.4 (MANE Select); coding-DNA position 845, C replaced by G.
Protein change: p.Ser282Cys; replaces serine 282 with cysteine.
Molecular consequence: missense variant.
Genome position (GRCh38, 1-based): chr7:130,385,203, C>G. VCF-style: chr7-130385203-C-G. GRCh37 (hg19) VCF-style: chr7-130025044-C-G.
Other names: c.845C>G (NM_001868.2); short protein forms S282C.
Identifiers: ClinVar variation 839533 (VCV000839533.12), dbSNP rs1796458202, ClinGen allele CA369283421.
Genomic context (GRCh38, chr7:130,385,203, plus strand): 5'-CAGTGTCCGGAGCCAGCAGTAACCCCTGCTCGGAGACTTACCACGGCAAGTTTGCCAATT[C>G]CGAAGTGGAGGTCAAGTCCATTGTAGACTTTGTGAAGGACCATGGGAACATCAAGGCCTT-3'
Protein context (NP_001859.1, residues 272-292): SETYHGKFAN[Ser282Cys]EVEVKSIVDF

ClinVar aggregate classification (germline): Uncertain significance. Review status: criteria provided, multiple submitters, no conflicts (2 of 4 stars). 2 submissions from 2 submitters: Uncertain significance (2). Last evaluated 2025-05-21.

Conditions:
Hereditary pancreatitis (PCTT). Also called: Hereditary chronic pancreatitis; PRSS1-Related Hereditary Pancreatitis. Identifiers: Orphanet 676, MedGen C0238339, MONDO:0008185, OMIM 167800.

Allele frequency attached by ClinVar (database versions not stated): gnomAD exomes below 0.00001.
gnomAD v4.1: 5 of 1,614,240 alleles (0.00031%); highest among the groups gnomAD compares: Non-Finnish European, 0.00042%; no homozygotes.

Submissions (2):

Ambry Genetics
Classification: Uncertain significance for Hereditary pancreatitis. Last evaluated: 2025-05-21. Review status: criteria provided, single submitter. Criteria: Ambry Variant Classification Scheme 2023. Collection method: clinical testing. Allele origin: germline.
Comment: The p.S282C variant (also known as c.845C>G), located in coding exon 8 of the CPA1 gene, results from a C to G substitution at nucleotide position 845. The serine at codon 282 is replaced by cysteine, an amino acid with dissimilar properties. This amino acid position is highly conserved in available vertebrate species. In addition, the in silico prediction for this alteration is inconclusive. Based on the available evidence, the clinical significance of this variant remains unclear.

Labcorp Genetics (formerly Invitae), Labcorp
Classification: Uncertain significance. Last evaluated: 2022-08-06. Review status: criteria provided, single submitter. Criteria: Invitae Variant Classification Sherloc (09022015). Collection method: clinical testing. Allele origin: germline.
Comment: ClinVar contains an entry for this variant (Variation ID: 839533). This sequence change replaces serine, which is neutral and polar, with cysteine, which is neutral and slightly polar, at codon 282 of the CPA1 protein (p.Ser282Cys). This variant is not present in population databases (gnomAD no frequency). This variant has not been reported in the literature in individuals affected with CPA1-related conditions. Algorithms developed to predict the effect of missense changes on protein structure and function are either unavailable or do not agree on the potential impact of this missense change (SIFT: "Deleterious"; PolyPhen-2: "Probably Damaging"; Align-GVGD: "Class C15"). In summary, the available evidence is currently insufficient to determine the role of this variant in disease. Therefore, it has been classified as a Variant of Uncertain Significance.